The following is an entry in ClinVar:

ClinVar aggregate classification (germline): Uncertain significance (1 of 4 stars; one submission).

Conditions:
Menkes kinky-hair syndrome (MNK). Also called: Copper transport disease; Menkes Disease; Classic Menkes Disease. Identifiers: Orphanet 565, MedGen C0022716, MONDO:0010651, OMIM 309400.
Cutis laxa, X-linked (OHS). Also called: EDS IX; Occipital horn syndrome. Identifiers: Orphanet 198, MedGen C0268353, MONDO:0010572, OMIM 304150.
X-linked distal spinal muscular atrophy type 3. Also called: ATP7A-Related Distal Motor Neuropathy; SPINAL MUSCULAR ATROPHY, DISTAL, X-LINKED RECESSIVE; NEURONOPATHY, DISTAL HEREDITARY MOTOR, X-LINKED; NEUROPATHY, DISTAL HEREDITARY MOTOR, X-LINKED. Identifiers: Orphanet 139557, MedGen C1845359, MONDO:0010338, OMIM 300489.

Submission:

Labcorp Genetics (formerly Invitae), Labcorp
Classification: Uncertain significance for X-linked distal spinal muscular atrophy type 3; Cutis laxa, X-linked; Menkes kinky-hair syndrome. Last evaluated: 2024-01-08. Review status: criteria provided, single submitter. Criteria: Invitae Variant Classification Sherloc (09022015). Collection method: clinical testing. Allele origin: germline.
Comment: This sequence change replaces glycine, which is neutral and non-polar, with arginine, which is basic and polar, at codon 562 of the ATP7A protein (p.Gly562Arg). This variant is not present in population databases (gnomAD no frequency). This variant has not been reported in the literature in individuals affected with ATP7A-related conditions. Advanced modeling of protein sequence and biophysical properties (such as structural, functional, and spatial information, amino acid conservation, physicochemical variation, residue mobility, and thermodynamic stability) performed at Invitae indicates that this missense variant is not expected to disrupt ATP7A protein function with a negative predictive value of 95%. In summary, the available evidence is currently insufficient to determine the role of this variant in disease. Therefore, it has been classified as a Variant of Uncertain Significance.

NM_000052.7(ATP7A):c.1684G>A (p.Gly562Arg)

Gene: ATP7A (ATPase copper transporting alpha; plus strand). Cytogenetic location: Xq21.1.
Variant type: single nucleotide variant.
Coding change: c.1684G>A on transcript NM_000052.7 (MANE Select); coding-DNA position 1684, G replaced by A.
Protein change: p.Gly562Arg; replaces glycine 562 with arginine.
Molecular consequence: missense variant.
Genome position (GRCh38, 1-based): chrX:78,003,213, G>A. VCF-style: chrX-78003213-G-A. GRCh37 (hg19) VCF-style: chrX-77258710-G-A.
Other names: c.1684G>A, p.Gly562Arg (NM_001282224.2); short protein forms G562R.
Identifiers: ClinVar variation 2944727 (VCV002944727.3), dbSNP rs2522325822, ClinGen allele CA413595475.